The following is an entry in ClinVar:

NC_012920.1(MT-CYB):m.14757T>C

Gene: MT-CYB (mitochondrially encoded cytochrome b; plus strand).
Variant type: single nucleotide variant.
Genome position: chrM-14757-T-C.
Identifiers: ClinVar variation 693757 (VCV000693757.1), dbSNP rs1603224859, ClinGen allele CA913172005.

ClinVar aggregate classification (germline): Benign (1 of 4 stars; one submission).

Conditions:
Leigh syndrome (NULS). Also called: Leigh's necrotizing encephalopathy; Leigh's disease; Leigh's syndrome; LEIGH SYNDROME, NUCLEAR; Leigh Syndrome (mtDNA deletion); Leigh Disease. Identifiers: Orphanet 506, MedGen C2931891, MONDO:0009723, OMIM 256000.

Submission:

Wong Mito Lab, Molecular and Human Genetics, Baylor College of Medicine
Classification: Benign for Leigh syndrome. Last evaluated: 2019-10-17. Review status: criteria provided, single submitter. Criteria: Modified ACMG Guidelines (Unpublished). Collection method: clinical testing. Allele origin: germline.
Comment: The NC_012920.1:m.14757T>C (YP_003024038.1:p.Met4Thr) variant in MTCYB gene is interpretated to be a Benign variant based on the modified ACMG guidelines (unpublished). This variant meets the following evidence codes: BS1, BS2, BP4